The following is an entry in ClinVar:

NM_005560.6(LAMA5):c.8058G>A (p.Leu2686=)

Gene: LAMA5 (laminin subunit alpha 5; minus strand). Cytogenetic location: 20q13.33.
Variant type: single nucleotide variant.
Coding change: c.8058G>A on transcript NM_005560.6 (MANE Select); coding-DNA position 8058, G replaced by A.
Protein change: p.Leu2686=; no amino-acid change (leucine 2686 retained).
Molecular consequence: synonymous variant.
Genome position (GRCh38, 1-based): chr20:62,314,937, C>T on the plus strand (G>A on the coding strand, the complement: LAMA5 is on the minus strand). VCF-style: chr20-62314937-C-T. GRCh37 (hg19) VCF-style: chr20-60889993-C-T.
Other names: c.8058G>A (NM_005560.4).
Identifiers: ClinVar variation 1562229 (VCV001562229.34), dbSNP rs199977223, ClinGen allele CA9940886.

ClinVar aggregate classification (germline): Likely benign. Review status: criteria provided, multiple submitters, no conflicts (2 of 4 stars). 5 submissions from 5 submitters: Likely benign (4). 1 of the submissions does not count toward it. Last evaluated 2025-12-19.

Conditions:
LAMA5-related disorder. Also called: LAMA5-Related Disorders; LAMA5-related condition.

Allele frequency attached by ClinVar (database versions not stated): ESP Exome Variant Server 0.00023; gnomAD exomes 0.00029 and 0.00044; 1000 Genomes Project 30x 0.00031; gnomAD 0.00033 and 0.00037; ExAC 0.00036; 1000 Genomes Project 0.00040; TOPMed 0.00048.
gnomAD v4.1: 496 of 1,601,240 alleles (0.031%); highest among the groups gnomAD compares: Middle Eastern, 1.1%; 3 homozygotes.

Submissions (6):

Labcorp Genetics (formerly Invitae), Labcorp
Classification: Likely benign. Last evaluated: 2025-12-19. Review status: criteria provided, single submitter. Criteria: Invitae Variant Classification Sherloc (09022015). Collection method: clinical testing. Allele origin: germline.

CeGaT Center for Human Genetics Tuebingen
Classification: Likely benign. Last evaluated: 2025-07-01. Review status: criteria provided, single submitter. Criteria: CeGaT Center For Human Genetics Tuebingen Variant Classification Criteria Version 2. Collection method: clinical testing. Allele origin: germline. Affected: yes. Observed: 4 variant alleles.
Comment: LAMA5: BS2

Blueprint Genetics
Classification: Likely benign. Last evaluated: 2024-10-31. Review status: criteria provided, single submitter. Criteria: ACMG Guidelines, 2015. Collection method: clinical testing. Allele origin: germline.

Breakthrough Genomics
Classification: Likely benign. Review status: criteria provided, single submitter. Criteria: ACMG Guidelines, 2015. Collection method: not provided. Allele origin: germline. Inheritance: Autosomal recessive inheritance. Affected: yes.

PreventionGenetics, part of Exact Sciences
Classification: Likely benign for LAMA5-related condition. Last evaluated: 2021-08-16. Review status: no assertion criteria provided. Collection method: clinical testing. Allele origin: germline. Not counted in ClinVar's aggregate classification.
Comment: This variant is classified as likely benign based on ACMG/AMP sequence variant interpretation guidelines (Richards et al. 2015 PMID: 25741868, with internal and published modifications).

Dr. Peter K. Rogan Lab, Western University
No classification provided (evidence only). Condition: Colon adenocarcinoma. Review status: no classification provided. Collection method: in vitro. Allele origin: not applicable. Functional consequence: retained intron. Not counted in ClinVar's aggregate classification.